The following is an entry in ClinVar:

ClinVar aggregate classification (germline): Uncertain significance. Review status: criteria provided, single submitter (1 of 4 stars). 2 submissions from 2 submitters: Uncertain significance (1). 1 of the submissions does not count toward it. Last evaluated 2024-06-03.

Conditions:
NOTCH2-related disorder. Also called: NOTCH2-related condition.
Hajdu-Cheney syndrome (HJCYS). Also called: ACROOSTEOLYSIS WITH OSTEOPOROSIS AND CHANGES IN SKULL AND MANDIBLE; SERPENTINE FIBULA-POLYCYSTIC KIDNEY SYNDROME; Acroosteolysis dominant type. Identifiers: Orphanet 955, MedGen C0917715, MONDO:0007057, OMIM 102500.

Allele frequency attached by ClinVar (database versions not stated): gnomAD exomes below 0.00001; ExAC 0.00001; gnomAD 0.00001; TOPMed 0.00001.
gnomAD v4.1: 3 of 1,612,874 alleles (0.00019%); highest among the groups gnomAD compares: African/African-American, 0.004%; no homozygotes.

Submissions (2):

Labcorp Genetics (formerly Invitae), Labcorp
Classification: Uncertain significance for Hajdu-Cheney syndrome. Last evaluated: 2024-06-03. Review status: criteria provided, single submitter. Criteria: Invitae Variant Classification Sherloc (09022015). Collection method: clinical testing. Allele origin: germline.
Comment: This sequence change replaces valine, which is neutral and non-polar, with alanine, which is neutral and non-polar, at codon 2067 of the NOTCH2 protein (p.Val2067Ala). This variant is present in population databases (rs757540257, gnomAD 0.008%). This variant has not been reported in the literature in individuals affected with NOTCH2-related conditions. Advanced modeling of protein sequence and biophysical properties (such as structural, functional, and spatial information, amino acid conservation, physicochemical variation, residue mobility, and thermodynamic stability) performed at Invitae indicates that this missense variant is not expected to disrupt NOTCH2 protein function with a negative predictive value of 80%. In summary, the available evidence is currently insufficient to determine the role of this variant in disease. Therefore, it has been classified as a Variant of Uncertain Significance.

PreventionGenetics, part of Exact Sciences
Classification: Uncertain significance for NOTCH2-related condition. Last evaluated: 2024-08-14. Review status: no assertion criteria provided. Collection method: clinical testing. Allele origin: germline. Not counted in ClinVar's aggregate classification.
Comment: The NOTCH2 c.6200T>C variant is predicted to result in the amino acid substitution p.Val2067Ala. To our knowledge, this variant has not been reported in the literature. This variant is reported in 0.0080% of alleles in individuals of African descent in gnomAD. At this time, the clinical significance of this variant is uncertain due to the absence of conclusive functional and genetic evidence.

NM_024408.4(NOTCH2):c.6200T>C (p.Val2067Ala)

Gene: NOTCH2 (notch receptor 2; minus strand). Cytogenetic location: 1p12.
Variant type: single nucleotide variant.
Coding change: c.6200T>C on transcript NM_024408.4 (MANE Select); coding-DNA position 6200, T replaced by C.
Protein change: p.Val2067Ala; replaces valine 2067 with alanine.
Molecular consequence: missense variant.
Genome position (GRCh38, 1-based): chr1:119,916,522, A>G on the plus strand (T>C on the coding strand, the complement: NOTCH2 is on the minus strand). VCF-style: chr1-119916522-A-G. GRCh37 (hg19) VCF-style: chr1-120459145-A-G.
Other names: c.6200T>C (NM_024408.3); short protein forms V2067A.
Identifiers: ClinVar variation 2904586 (VCV002904586.4), dbSNP rs757540257, ClinGen allele CA1039463.